The following is an entry in ClinVar:

NM_000053.4(ATP7B):c.3544G>C (p.Val1182Leu)

Gene: ATP7B (ATPase copper transporting beta; minus strand). Cytogenetic location: 13q14.3.
Variant type: single nucleotide variant.
Coding change: c.3544G>C on transcript NM_000053.4 (MANE Select); coding-DNA position 3544, G replaced by C.
Protein change: p.Val1182Leu; replaces valine 1182 with leucine.
Molecular consequence: missense variant. On other transcripts: intron variant (2).
Genome position (GRCh38, 1-based): chr13:51,941,093, C>G on the plus strand (G>C on the coding strand, the complement: ATP7B is on the minus strand). VCF-style: chr13-51941093-C-G. GRCh37 (hg19) VCF-style: chr13-52515229-C-G.
Other names: c.2923G>C, p.Val975Leu (NM_001005918.3); c.3211G>C, p.Val1071Leu (NM_001243182.2); c.3310G>C, p.Val1104Leu (NM_001330578.2, NM_001406527.1, NM_001406528.1); c.3292G>C, p.Val1098Leu (NM_001330579.2, NM_001406531.1, NM_001406532.1); c.3544G>C, p.Val1182Leu (NM_001406511.1, NM_001406512.1, NM_001406526.1); c.3538G>C, p.Val1180Leu (NM_001406513.1); c.3511G>C, p.Val1171Leu (NM_001406514.1); c.3490G>C, p.Val1164Leu (NM_001406515.1, NM_001406516.1); and 20 more; short protein forms V1020L, V1033L, V1039L, V1069L, V1071L, V1072L, V1086L, V1098L.
Identifiers: ClinVar variation 3073072 (VCV003073072.1), dbSNP rs1389798141, ClinGen allele CA388025964.

ClinVar aggregate classification (germline): Uncertain significance (1 of 4 stars; one submission).

Conditions:
Wilson disease (WND). Also called: Wilson's disease. Identifiers: Orphanet 905, MedGen C0019202, MONDO:0010200, OMIM 277900. Disease mechanism: loss of function.

Submission:

All of Us Research Program, National Institutes of Health
Classification: Uncertain significance for Wilson disease. Last evaluated: 2023-08-23. Review status: criteria provided, single submitter. Criteria: ACMG Guidelines, 2015. Collection method: clinical testing. Allele origin: germline. Inheritance: Autosomal recessive inheritance. Observed: 1 variant allele, 1 heterozygote.
Comment: This missense variant replaces valine with leucine at codon 1182 of the ATP7B protein. Computational prediction suggests that this variant may have deleterious impact on protein structure and function (internally defined REVEL score threshold >= 0.7, PMID: 27666373). To our knowledge, functional studies have not been reported for this variant. This variant has not been reported in individuals affected with ATP7B-related disorders in the literature. This variant has not been identified in the general population by the Genome Aggregation Database (gnomAD). The available evidence is insufficient to determine the role of this variant in disease conclusively. Therefore, this variant is classified as a Variant of Uncertain Significance.

This study involves interpretation of variants in research participants for the purpose of population health screening. Participant phenotype was not available at the time of variant classification. Additional details can be found in publication PMID: 35346344, PMCID: PMC8962531